The following is an entry in ClinVar:

ClinVar aggregate classification (germline): Uncertain significance. Review status: criteria provided, multiple submitters, no conflicts (2 of 4 stars). 2 submissions from 2 submitters: Uncertain significance (2). Last evaluated 2025-04-20.

Allele frequency attached by ClinVar (database versions not stated): ExAC 0.00002; gnomAD exomes 0.00003; gnomAD 0.00013; TOPMed 0.00032.
gnomAD v4.1: 62 of 1,588,960 alleles (0.0039%); highest among the groups gnomAD compares: Admixed American, 0.042%; no homozygotes.

Submissions (2):

Ambry Genetics
Classification: Uncertain significance. Last evaluated: 2025-04-20. Review status: criteria provided, single submitter. Criteria: Ambry Variant Classification Scheme 2023. Collection method: clinical testing. Allele origin: germline.

Labcorp Genetics (formerly Invitae), Labcorp
Classification: Uncertain significance. Last evaluated: 2023-11-04. Review status: criteria provided, single submitter. Criteria: Invitae Variant Classification Sherloc (09022015). Collection method: clinical testing. Allele origin: germline.
Comment: This sequence change replaces aspartic acid, which is acidic and polar, with glycine, which is neutral and non-polar, at codon 1007 of the TNS2 protein (p.Asp1007Gly). This variant is present in population databases (rs776061401, gnomAD 0.01%). This variant has not been reported in the literature in individuals affected with TNS2-related conditions. ClinVar contains an entry for this variant (Variation ID: 2511895). Algorithms developed to predict the effect of missense changes on protein structure and function output the following: SIFT: "Not Available"; PolyPhen-2: "Benign"; Align-GVGD: "Not Available". The glycine amino acid residue is found in multiple mammalian species, which suggests that this missense change does not adversely affect protein function. In summary, the available evidence is currently insufficient to determine the role of this variant in disease. Therefore, it has been classified as a Variant of Uncertain Significance.

NM_170754.4(TNS2):c.2990A>G (p.Asp997Gly)

Gene: TNS2 (tensin 2; plus strand). Cytogenetic location: 12q13.13.
Variant type: single nucleotide variant.
Coding change: c.2990A>G on transcript NM_170754.4 (MANE Select); coding-DNA position 2990, A replaced by G.
Protein change: p.Asp997Gly; replaces aspartic acid 997 with glycine.
Molecular consequence: missense variant.
Genome position (GRCh38, 1-based): chr12:53,060,896, A>G. VCF-style: chr12-53060896-A-G. GRCh37 (hg19) VCF-style: chr12-53454680-A-G.
Other names: c.2990A>G, p.Asp997Gly (NM_001416202.1); c.2948A>G, p.Asp983Gly (NM_001416203.1); c.3017A>G, p.Asp1006Gly (NM_001416204.1); c.2921A>G, p.Asp974Gly (NM_015319.3); c.2618A>G, p.Asp873Gly (NM_198316.2); short protein forms D983G, D997G, D1006G, D873G, D974G.
Identifiers: ClinVar variation 2511895 (VCV002511895.6), dbSNP rs776061401, ClinGen allele CA6592743.